The following is an entry in ClinVar:

NM_000283.4(PDE6B):c.304G>A (p.Gly102Ser)

Gene: PDE6B (phosphodiesterase 6B; plus strand). Cytogenetic location: 4p16.3.
Variant type: single nucleotide variant.
Coding change: c.304G>A on transcript NM_000283.4 (MANE Select); coding-DNA position 304, G replaced by A.
Protein change: p.Gly102Ser; replaces glycine 102 with serine.
Molecular consequence: missense variant.
Genome position (GRCh38, 1-based): chr4:625,930, G>A. VCF-style: chr4-625930-G-A. GRCh37 (hg19) VCF-style: chr4-619719-G-A.
Other names: c.304G>A, p.Gly102Ser (NM_001145291.2); short protein forms G102S.
Identifiers: ClinVar variation 1034877 (VCV001034877.12), dbSNP rs750237172, ClinGen allele CA2793905.

ClinVar aggregate classification (germline): Uncertain significance. Review status: criteria provided, multiple submitters, no conflicts (2 of 4 stars). 3 submissions from 3 submitters: Uncertain significance (3). Last evaluated 2025-03-17.

Allele frequency attached by ClinVar (database versions not stated): ExAC 0.00007; gnomAD 0.00004 and 0.00003; TOPMed 0.00005; gnomAD exomes 0.00004.
gnomAD v4.1: 34 of 1,595,896 alleles (0.0021%); highest among the groups gnomAD compares: Middle Eastern, 0.033%; no homozygotes.

Submissions (3):

Labcorp Genetics (formerly Invitae), Labcorp
Classification: Uncertain significance. Last evaluated: 2025-03-17. Review status: criteria provided, single submitter. Criteria: Invitae Variant Classification Sherloc (09022015). Collection method: clinical testing. Allele origin: germline.
Comment: This sequence change replaces glycine, which is neutral and non-polar, with serine, which is neutral and polar, at codon 102 of the PDE6B protein (p.Gly102Ser). This variant is present in population databases (rs750237172, gnomAD 0.007%). This variant has not been reported in the literature in individuals affected with PDE6B-related conditions. ClinVar contains an entry for this variant (Variation ID: 1034877). Invitae Evidence Modeling of protein sequence and biophysical properties (such as structural, functional, and spatial information, amino acid conservation, physicochemical variation, residue mobility, and thermodynamic stability) has been performed for this missense variant. However, the output from this modeling did not meet the statistical confidence thresholds required to predict the impact of this variant on PDE6B protein function. In summary, the available evidence is currently insufficient to determine the role of this variant in disease. Therefore, it has been classified as a Variant of Uncertain Significance.

Blueprint Genetics
Classification: Uncertain significance. Last evaluated: 2023-02-02. Review status: criteria provided, single submitter. Criteria: ACMG Guidelines, 2015. Collection method: clinical testing. Allele origin: germline.

Breakthrough Genomics
Classification: Uncertain significance. Review status: criteria provided, single submitter. Criteria: ACMG Guidelines, 2015. Collection method: not provided. Allele origin: germline. Inheritance: Autosomal recessive inheritance. Affected: yes.